The following is an entry in ClinVar:

NM_005220.3(DLX3):c.499G>T (p.Gly167Cys)

Gene: DLX3 (distal-less homeobox 3; minus strand). Cytogenetic location: 17q21.33.
Variant type: single nucleotide variant.
Coding change: c.499G>T on transcript NM_005220.3 (MANE Select); coding-DNA position 499, G replaced by T.
Protein change: p.Gly167Cys; replaces glycine 167 with cysteine.
Molecular consequence: missense variant.
Genome position (GRCh38, 1-based): chr17:49,993,417, C>A on the plus strand (G>T on the coding strand, the complement: DLX3 is on the minus strand). VCF-style: chr17-49993417-C-A. GRCh37 (hg19) VCF-style: chr17-48070781-C-A.
Other names: short protein forms G167C.
Identifiers: ClinVar variation 2504837 (VCV002504837.1), dbSNP rs2544348848, ClinGen allele CA400175396.

ClinVar aggregate classification (germline): Uncertain significance (1 of 4 stars; one submission).

Submission:

GeneDx
Classification: Uncertain significance. Last evaluated: 2022-12-09. Review status: criteria provided, single submitter. Criteria: GeneDx Variant Classification Process June 2021. Collection method: clinical testing. Allele origin: germline. Affected: yes.
Comment: Not observed at significant frequency in large population cohorts (gnomAD); In silico analysis supports that this missense variant has a deleterious effect on protein structure/function; Has not been previously published as pathogenic or benign to our knowledge.